The following is an entry in ClinVar:

ClinVar aggregate classification (germline): Uncertain significance. Review status: criteria provided, multiple submitters, no conflicts (2 of 4 stars). 2 submissions from 2 submitters: Uncertain significance (2). Last evaluated 2025-12-02.

Conditions:
SIPA1L3-related disorder. Also called: SIPA1L3-related condition.

gnomAD v4.1: 112 of 1,612,806 alleles (0.0069%); highest among the groups gnomAD compares: South Asian, 0.044%; 1 homozygote.

Submissions (2):

Ambry Genetics
Classification: Uncertain significance. Last evaluated: 2025-12-02. Review status: criteria provided, single submitter. Criteria: Ambry Variant Classification Scheme 2023. Collection method: clinical testing. Allele origin: germline.

PreventionGenetics, part of Exact Sciences
Classification: Uncertain significance for SIPA1L3-related condition. Last evaluated: 2025-09-30. Review status: criteria provided, single submitter. Criteria: ACMG Guidelines, 2015. Collection method: clinical testing. Allele origin: germline.
Comment: The SIPA1L3 c.3188C>T variant is predicted to result in the amino acid substitution p.Thr1063Met. To our knowledge, this variant has not been reported in the literature. This variant is reported in 0.020% of alleles in individuals of South Asian descent in gnomAD. At this time, the clinical significance of this variant is uncertain due to the absence of conclusive functional and genetic evidence.

NM_015073.3(SIPA1L3):c.3188C>T (p.Thr1063Met)

Gene: SIPA1L3 (signal induced proliferation associated 1 like 3; plus strand). Cytogenetic location: 19q13.13.
Variant type: single nucleotide variant.
Coding change: c.3188C>T on transcript NM_015073.3 (MANE Select); coding-DNA position 3188, C replaced by T.
Protein change: p.Thr1063Met; replaces threonine 1063 with methionine.
Molecular consequence: missense variant.
Genome position (GRCh38, 1-based): chr19:38,141,228, C>T. VCF-style: chr19-38141228-C-T. GRCh37 (hg19) VCF-style: chr19-38631868-C-T.
Other names: c.3188C>T (NM_015073.2); short protein forms T1063M.
Identifiers: ClinVar variation 4584069 (VCV004584069.2).